The following is an entry in ClinVar:

NM_001621.5(AHR):c.1409A>G (p.Tyr470Cys)

Gene: AHR (aryl hydrocarbon receptor; plus strand). Cytogenetic location: 7p21.1.
Variant type: single nucleotide variant.
Coding change: c.1409A>G on transcript NM_001621.5 (MANE Select); coding-DNA position 1409, A replaced by G.
Protein change: p.Tyr470Cys; replaces tyrosine 470 with cysteine.
Molecular consequence: missense variant.
Genome position (GRCh38, 1-based): chr7:17,339,234, A>G. VCF-style: chr7-17339234-A-G. GRCh37 (hg19) VCF-style: chr7-17378858-A-G.
Other names: short protein forms Y470C.
Identifiers: ClinVar variation 1434513 (VCV001434513.3), dbSNP rs199672191, ClinGen allele CA4172105.

ClinVar aggregate classification (germline): Uncertain significance (1 of 4 stars; one submission).

Allele frequency attached by ClinVar (database versions not stated): gnomAD exomes 0.00008 and 0.00015; gnomAD 0.00010 and 0.00015; ExAC 0.00014; TOPMed 0.00014; 1000 Genomes Project 30x 0.00016; 1000 Genomes Project 0.00020.
gnomAD v4.1: 151 of 1,614,188 alleles (0.0094%); highest among the groups gnomAD compares: East Asian, 0.1%; no homozygotes.

Submission:

Labcorp Genetics (formerly Invitae), Labcorp
Classification: Uncertain significance. Last evaluated: 2022-08-09. Review status: criteria provided, single submitter. Criteria: Invitae Variant Classification Sherloc (09022015). Collection method: clinical testing. Allele origin: germline.
Comment: This sequence change replaces tyrosine, which is neutral and polar, with cysteine, which is neutral and slightly polar, at codon 470 of the AHR protein (p.Tyr470Cys). This variant is present in population databases (rs199672191, gnomAD 0.1%). This variant has not been reported in the literature in individuals affected with AHR-related conditions. ClinVar contains an entry for this variant (Variation ID: 1434513). Algorithms developed to predict the effect of missense changes on protein structure and function output the following: SIFT: "Tolerated"; PolyPhen-2: "Benign"; Align-GVGD: "Class C0". The cysteine amino acid residue is found in multiple mammalian species, which suggests that this missense change does not adversely affect protein function. In summary, the available evidence is currently insufficient to determine the role of this variant in disease. Therefore, it has been classified as a Variant of Uncertain Significance.